The following is an entry in ClinVar:

ClinVar aggregate classification (germline): Pathogenic/Likely pathogenic. Review status: criteria provided, multiple submitters, no conflicts (2 of 4 stars). 3 submissions from 3 submitters: Pathogenic (2); Likely pathogenic (1). Last evaluated 2025-01-01.

Conditions:
Nephronophthisis. Also called: Juvenile Nephronophthisis. Identifiers: Orphanet 655, MedGen C0687120, MONDO:0019005, HP:0000090.
INVS-related disorder. Also called: INVS-related condition.

Submissions (3):

PreventionGenetics, part of Exact Sciences
Classification: Likely pathogenic for INVS-related condition. Last evaluated: 2025-01-01. Review status: criteria provided, single submitter. Criteria: ACMG Guidelines, 2015. Collection method: clinical testing. Allele origin: germline.
Comment: The INVS c.662dupG variant is predicted to result in a frameshift and premature protein termination (p.Arg222Serfs*10). To our knowledge, this variant has not been reported in the literature. This variant has not been reported in a large population database (gnomAD), indicating this variant is rare. Frameshift variants in INVS are expected to be pathogenic. This variant is interpreted as likely pathogenic.

Labcorp Genetics (formerly Invitae), Labcorp
Classification: Pathogenic for Nephronophthisis. Last evaluated: 2022-06-14. Review status: criteria provided, single submitter. Criteria: Invitae Variant Classification Sherloc (09022015). Collection method: clinical testing. Allele origin: germline.
Comment: For these reasons, this variant has been classified as Pathogenic. Algorithms developed to predict the effect of sequence changes on RNA splicing suggest that this variant may disrupt the consensus splice site. ClinVar contains an entry for this variant (Variation ID: 284310). This variant has not been reported in the literature in individuals affected with INVS-related conditions. This variant is present in population databases (rs769739938, gnomAD 0.0009%). This sequence change creates a premature translational stop signal (p.Arg222Serfs*10) in the INVS gene. It is expected to result in an absent or disrupted protein product. Loss-of-function variants in INVS are known to be pathogenic (PMID: 12872123).

Eurofins Ntd Llc (ga)
Classification: Pathogenic. Last evaluated: 2015-11-13. Review status: criteria provided, single submitter. Criteria: EGL Classification Definitions. Collection method: clinical testing. Allele origin: germline. Observed: 1 variant allele, 1 heterozygote.

Literature cited by the submitters: PubMed 12872123 (cited by Labcorp Genetics (formerly Invitae), Labcorp).

NM_014425.5(INVS):c.662dup (p.Arg222fs)

Gene: INVS (inversin; plus strand). Cytogenetic location: 9q31.1.
Variant type: Duplication.
Coding change: c.662dup on transcript NM_014425.5 (MANE Select); coding-DNA position 662, one base duplicated (G; older notation c.662dupG).
Protein change: p.Arg222fs; shifts the reading frame from arginine 222.
Molecular consequence: frameshift variant. On other transcripts: 5 prime UTR variant (1), non-coding transcript variant (1).
Genome position (GRCh38, 1-based): chr9:100,240,106, G duplicated; the last of 3 consecutive G bases (chr9:100,240,104-100,240,106); duplicating any one gives the same sequence. VCF-style (leftmost placement, unchanged base first): chr9-100240103-A-AG. GRCh37 (hg19) VCF-style: chr9-103002385-A-AG.
Other names: c.374dup, p.Arg126fs (NM_001318381.2); c.-328dup (NM_001318382.2); c.662dupG (NM_014425.4); short protein forms R222fs, R126fs.
Identifiers: ClinVar variation 284310 (VCV000284310.11), dbSNP rs769739938, ClinGen allele CA5158215.